The following is an entry in ClinVar:

ClinVar aggregate classification (germline): Uncertain significance. Review status: criteria provided, multiple submitters, no conflicts (2 of 4 stars). 2 submissions from 2 submitters: Uncertain significance (2). Last evaluated 2024-12-04.

Conditions:
Hereditary cancer-predisposing syndrome. Also called: Neoplastic Syndromes, Hereditary; Tumor predisposition; Hereditary Cancer Syndrome; Hereditary neoplastic syndrome. Identifiers: Orphanet 140162, MedGen C0027672, MeSH D009386, MONDO:0015356.
Bloom syndrome (BLM). Also called: Bloom-Torre-Machacek syndrome. Identifiers: Orphanet 125, MedGen C0005859, MONDO:0008876, OMIM 210900.

Allele frequency attached by ClinVar (database versions not stated): gnomAD exomes below 0.00001.
gnomAD v4.1: 1 of 1,613,864 alleles (0.000062%); highest among the groups gnomAD compares: South Asian, 0.0011%; no homozygotes.

Submissions (2):

Labcorp Genetics (formerly Invitae), Labcorp
Classification: Uncertain significance for Bloom syndrome. Last evaluated: 2024-12-04. Review status: criteria provided, single submitter. Criteria: Invitae Variant Classification Sherloc (09022015). Collection method: clinical testing. Allele origin: germline.
Comment: This sequence change replaces serine, which is neutral and polar, with phenylalanine, which is neutral and non-polar, at codon 1135 of the BLM protein (p.Ser1135Phe). This variant is not present in population databases (gnomAD no frequency). This variant has not been reported in the literature in individuals affected with BLM-related conditions. ClinVar contains an entry for this variant (Variation ID: 1731107). Invitae Evidence Modeling of protein sequence and biophysical properties (such as structural, functional, and spatial information, amino acid conservation, physicochemical variation, residue mobility, and thermodynamic stability) indicates that this missense variant is not expected to disrupt BLM protein function with a negative predictive value of 80%. In summary, the available evidence is currently insufficient to determine the role of this variant in disease. Therefore, it has been classified as a Variant of Uncertain Significance.

Ambry Genetics
Classification: Uncertain significance for Hereditary cancer-predisposing syndrome. Last evaluated: 2021-10-07. Review status: criteria provided, single submitter. Criteria: Ambry Variant Classification Scheme 2023. Collection method: clinical testing. Allele origin: germline.
Comment: The p.S1135F variant (also known as c.3404C>T), located in coding exon 17 of the BLM gene, results from a C to T substitution at nucleotide position 3404. The serine at codon 1135 is replaced by phenylalanine, an amino acid with highly dissimilar properties. This amino acid position is conserved. In addition, this alteration is predicted to be tolerated by in silico analysis. Since supporting evidence is limited at this time, the clinical significance of this alteration remains unclear.

NM_000057.4(BLM):c.3404C>T (p.Ser1135Phe)

Gene: BLM (BLM RecQ like helicase; plus strand). Cytogenetic location: 15q26.1.
Variant type: single nucleotide variant.
Coding change: c.3404C>T on transcript NM_000057.4 (MANE Select); coding-DNA position 3404, C replaced by T.
Protein change: p.Ser1135Phe; replaces serine 1135 with phenylalanine.
Molecular consequence: missense variant. On other transcripts: intron variant (1).
Genome position (GRCh38, 1-based): chr15:90,803,566, C>T. VCF-style: chr15-90803566-C-T. GRCh37 (hg19) VCF-style: chr15-91346796-C-T.
Other names: c.3404C>T, p.Ser1135Phe (NM_001287246.2); c.2279C>T, p.Ser760Phe (NM_001287248.2); c.3358+5229C>T (NM_001287247.2); short protein forms S1135F, S760F.
Identifiers: ClinVar variation 1731107 (VCV001731107.4), dbSNP rs2505546873, ClinGen allele CA393847524.